The following is an entry in ClinVar:

NM_175634.3(RUNX1T1):c.946C>T (p.Arg316Ter)

Gene: RUNX1T1 (RUNX1 partner transcriptional co-repressor 1; minus strand). Cytogenetic location: 8q21.3.
Variant type: single nucleotide variant.
Coding change: c.946C>T on transcript NM_175634.3 (MANE Select); coding-DNA position 946, C replaced by T.
Protein change: p.Arg316Ter; replaces arginine 316 with a stop codon.
Molecular consequence: nonsense.
Genome position (GRCh38, 1-based): chr8:91,991,684, G>A on the plus strand (C>T on the coding strand, the complement: RUNX1T1 is on the minus strand). VCF-style: chr8-91991684-G-A. GRCh37 (hg19) VCF-style: chr8-93003912-G-A.
Other names: c.865C>T, p.Arg289Ter (NM_001198625.2, NM_001198632.2, NM_004349.4); c.946C>T, p.Arg316Ter (NM_001198626.2, NM_001198627.2, NM_001198628.2 and 3 more transcripts); c.886C>T, p.Arg296Ter (NM_001198633.2); c.979C>T, p.Arg327Ter (NM_001198634.2); c.1123C>T, p.Arg375Ter (NM_001198679.3); c.1030C>T, p.Arg344Ter (NM_001395209.1); c.835C>T, p.Arg279Ter (NM_175635.3, NM_175636.2); short protein forms R279*, R289*, R296*, R316*, R327*, R344*, R375*.
Identifiers: ClinVar variation 3381715 (VCV003381715.1).
Genomic context (GRCh38, chr8:91,991,684, plus strand): 5'-GTCCTTCAGTCTTACCCATAGGTCTGTTTCTGTCCCTGAGGTCCCTGTGGCTGGGGTGTC[G>A]ATAGGAGTCCCTGTAGTGGTGGGCAATGGCCATATCATCCAAACGGTAATGCTGAGGTGG-3'

ClinVar aggregate classification (germline): Uncertain significance (1 of 4 stars; one submission).

Submission:

GeneDx
Classification: Uncertain significance. Last evaluated: 2024-05-21. Review status: criteria provided, single submitter. Criteria: GeneDx Variant Classification Process June 2021. Collection method: clinical testing. Allele origin: germline. Affected: yes.
Comment: Not observed at significant frequency in large population cohorts (gnomAD); Nonsense variant predicted to result in protein truncation or nonsense mediated decay in a gene or region of a gene for which loss of function is not a well-established mechanism of disease; Has not been previously published as pathogenic or benign to our knowledge; Variants in candidate genes are classified as variants of uncertain significance in accordance with ACMG guidelines (PMID: 25741868)